The following is an entry in ClinVar:

NM_003126.4(SPTA1):c.3477+15C>T

Gene: SPTA1 (spectrin alpha, erythrocytic 1; minus strand). Cytogenetic location: 1q23.1.
Variant type: single nucleotide variant.
Coding change: c.3477+15C>T on transcript NM_003126.4 (MANE Select); 15 bases into the intron after coding-DNA position 3477, C replaced by T.
Molecular consequence: intron variant.
Genome position (GRCh38, 1-based): chr1:158,651,352, G>A on the plus strand (C>T on the coding strand, the complement: SPTA1 is on the minus strand). VCF-style: chr1-158651352-G-A. GRCh37 (hg19) VCF-style: chr1-158621142-G-A.
Other names: p.?.
Identifiers: ClinVar variation 258928 (VCV000258928.12), dbSNP rs369904982, ClinGen allele CA1183050.

ClinVar aggregate classification (germline): Conflicting classifications of pathogenicity. Review status: criteria provided, conflicting classifications (1 of 4 stars). 7 submissions from 5 submitters: Uncertain significance (3); Likely benign (4). Last evaluated 2025-05-20.

Conditions:
Hereditary spherocytosis type 3. Also called: SPTA1-Related Spherocytosis; Spherocytosis type 3. Identifiers: Orphanet 822, MedGen C2678338, MONDO:0010053, OMIM 270970.
Pyropoikilocytosis, hereditary. Also called: Pyropoikilocytosis. Identifiers: MedGen C0520739, MONDO:0009948, OMIM 266140, HP:0004839. Disease mechanism: loss of function.
Elliptocytosis 2 (EL2). Also called: ELLIPTOCYTOSIS, RHESUS-UNLINKED TYPE. Identifiers: Orphanet 288, MedGen C1851741, MONDO:0007533, OMIM 130600.

Allele frequency attached by ClinVar (database versions not stated): TOPMed 0.00034; gnomAD exomes 0.00018 and 0.00054; ExAC 0.00019; gnomAD 0.00035 and 0.00031; ESP Exome Variant Server 0.00058.
gnomAD v4.1: 851 of 1,578,676 alleles (0.054%); highest among the groups gnomAD compares: Non-Finnish European, 0.068%; no homozygotes.

Submissions (7):

ARUP Laboratories, Molecular Genetics and Genomics, ARUP Laboratories
Classification: Likely benign. Last evaluated: 2025-05-20. Review status: criteria provided, single submitter. Criteria: ARUP Molecular Germline Variant Investigation Process 2024. Collection method: clinical testing. Allele origin: germline.

Mayo Clinic Laboratories, Mayo Clinic
Classification: Likely benign. Last evaluated: 2025-02-04. Review status: criteria provided, single submitter. Criteria: ACMG Guidelines, 2015. Collection method: clinical testing. Allele origin: germline. Observed: 2 variant alleles.
Comment: BP4, BP7

Labcorp Genetics (formerly Invitae), Labcorp
Classification: Likely benign. Last evaluated: 2024-09-19. Review status: criteria provided, single submitter. Criteria: Invitae Variant Classification Sherloc (09022015). Collection method: clinical testing. Allele origin: germline.

Illumina Laboratory Services, Illumina
Classification: Uncertain significance for Pyropoikilocytosis, hereditary. Last evaluated: 2018-01-13. Review status: criteria provided, single submitter. Criteria: ICSL Variant Classification Criteria 13 December 2019. Collection method: clinical testing. Allele origin: germline.

Illumina Laboratory Services, Illumina
Classification: Uncertain significance for Elliptocytosis 2. Last evaluated: 2018-01-13. Review status: criteria provided, single submitter. Criteria: ICSL Variant Classification Criteria 13 December 2019. Collection method: clinical testing. Allele origin: germline.

Illumina Laboratory Services, Illumina
Classification: Uncertain significance for Hereditary spherocytosis type 3. Last evaluated: 2018-01-13. Review status: criteria provided, single submitter. Criteria: ICSL Variant Classification Criteria 13 December 2019. Collection method: clinical testing. Allele origin: germline.

PreventionGenetics, part of Exact Sciences
Classification: Likely benign. Review status: criteria provided, single submitter. Criteria: ACMG Guidelines, 2015. Collection method: clinical testing. Allele origin: germline.